The following is an entry in ClinVar:

ClinVar aggregate classification (germline): Conflicting classifications of pathogenicity. Review status: criteria provided, conflicting classifications (1 of 4 stars). 2 submissions from 2 submitters: Likely pathogenic (1); Uncertain significance (1). Last evaluated 2023-09-20.

Conditions:
RYR1-related disorder. Also called: RYR1-related condition; RYR1-related disorders. Identifiers: MedGen CN239331.
Malignant hyperthermia, susceptibility to, 1 (MHS1). Also called: Anesthesia related hyperthermia; Malignant hyperpyrexia; Fulminating hyperpyrexia; Pharmacogenic myopathy; RYR1-Related Malignant Hyperthermia Susceptibility; Malignant hyperthermia suceptibility 1. Identifiers: Orphanet 423, MedGen C2930980, MONDO:0007783, OMIM 145600.

Allele frequency attached by ClinVar (database versions not stated): gnomAD exomes below 0.00001.
gnomAD v4.1: 1 of 1,614,146 alleles (0.000062%); highest among the groups gnomAD compares: Non-Finnish European, 0.000085%; no homozygotes.

Submissions (2):

Labcorp Genetics (formerly Invitae), Labcorp
Classification: Likely pathogenic for RYR1-related disorder. Last evaluated: 2023-09-20. Review status: criteria provided, single submitter. Criteria: Invitae Variant Classification Sherloc (09022015). Collection method: clinical testing. Allele origin: germline.
Comment: This variant has not been reported in the literature in individuals affected with RYR1-related conditions. In summary, the currently available evidence indicates that the variant is pathogenic, but additional data are needed to prove that conclusively. Therefore, this variant has been classified as Likely Pathogenic. This variant disrupts the p.Ile620 amino acid residue in RYR1. Other variant(s) that disrupt this residue have been determined to be pathogenic (Invitae). This suggests that this residue is clinically significant, and that variants that disrupt this residue are likely to be disease-causing. Advanced modeling of protein sequence and biophysical properties (such as structural, functional, and spatial information, amino acid conservation, physicochemical variation, residue mobility, and thermodynamic stability) performed at Invitae indicates that this missense variant is expected to disrupt RYR1 protein function. This variant is not present in population databases (gnomAD no frequency). This sequence change replaces isoleucine, which is neutral and non-polar, with asparagine, which is neutral and polar, at codon 620 of the RYR1 protein (p.Ile620Asn).

All of Us Research Program, National Institutes of Health
Classification: Uncertain significance for Malignant hyperthermia, susceptibility to, 1. Last evaluated: 2023-05-04. Review status: criteria provided, single submitter. Criteria: ACMG Guidelines, 2015. Collection method: clinical testing. Allele origin: germline. Inheritance: Autosomal dominant inheritance. Observed: 1 variant allele, 1 heterozygote.
Comment: This missense variant replaces isoleucine with asparagine at codon 620 of the RYR1 protein. Computational prediction suggests that this variant may have deleterious impact on protein structure and function (internally defined REVEL score threshold >= 0.7, PMID: 27666373). To our knowledge, functional studies have not been reported for this variant. This variant has not been reported in individuals affected with RYR1-related disorders in the literature. This variant has not been identified in the general population by the Genome Aggregation Database (gnomAD). The available evidence is insufficient to determine the role of this variant in disease conclusively. Therefore, this variant is classified as a Variant of Uncertain Significance.

This study involves interpretation of variants in research participants for the purpose of population health screening. Participant phenotype was not available at the time of variant classification. Additional details can be found in publication PMID: 35346344, PMCID: PMC8962531

NM_000540.3(RYR1):c.1859T>A (p.Ile620Asn)

Gene: RYR1 (ryanodine receptor 1; plus strand). Cytogenetic location: 19q13.2.
Variant type: single nucleotide variant.
Coding change: c.1859T>A on transcript NM_000540.3 (MANE Select); coding-DNA position 1859, T replaced by A.
Protein change: p.Ile620Asn; replaces isoleucine 620 with asparagine.
Molecular consequence: missense variant.
Genome position (GRCh38, 1-based): chr19:38,457,564, T>A. VCF-style: chr19-38457564-T-A. GRCh37 (hg19) VCF-style: chr19-38948204-T-A.
Other names: c.1859T>A, p.Ile620Asn (NM_001042723.2); short protein forms I620N.
Identifiers: ClinVar variation 3014462 (VCV003014462.4), dbSNP rs1568450514, ClinGen allele CA405693965.